The following is an entry in ClinVar:

NM_024577.4(SH3TC2):c.*13514A>G

Gene: SH3TC2 (SH3 domain and tetratricopeptide repeats 2; minus strand). Cytogenetic location: 5q32.
Variant type: single nucleotide variant.
Coding change: c.*13514A>G on transcript NM_024577.4 (MANE Select); 13514 bases downstream of the stop codon, A replaced by G.
Molecular consequence: 3 prime UTR variant.
Genome position (GRCh38, 1-based): chr5:148,991,197, T>C on the plus strand (A>G on the coding strand, the complement: SH3TC2 is on the minus strand). VCF-style: chr5-148991197-T-C. GRCh37 (hg19) VCF-style: chr5-148370760-T-C.
Identifiers: ClinVar variation 351669 (VCV000351669.5), dbSNP rs78516040, ClinGen allele CA10620605.
Genomic context (GRCh38, chr5:148,991,197, plus strand): 5'-TTCACAGCAAAAGACCAATAACTACACATGGGGTAGAAATTAACATATGTAGAGGACTTT[T>C]TCTTCTCTATACAAAAGCTTTTACCCATATACCACATTGGATGTGAGAGTGAATATACTG-3'

ClinVar aggregate classification (germline): Benign. Review status: criteria provided, single submitter (1 of 4 stars). 2 submissions from 1 submitter: Benign (2). Last evaluated 2018-01-12.

Conditions:
Susceptibility to mononeuropathy of the median nerve, mild. Also called: CARPAL TUNNEL SYNDROME, SUSCEPTIBILITY TO. Identifiers: MedGen C3150596, MONDO:0013237, OMIM 613353.
Charcot-Marie-Tooth disease type 4C (CMT4C). Also called: CHARCOT-MARIE-TOOTH DISEASE, DEMYELINATING, AUTOSOMAL RECESSIVE, TYPE 4C; CMT 4C; Charcot-Marie-Tooth Neuropathy Type 4C (CMT4C); CHARCOT-MARIE-TOOTH DISEASE, DEMYELINATING, TYPE 4C; SH3TC2-Related Hereditary Motor and Sensory Neuropathy. Identifiers: Orphanet 99949, MedGen C1866636, MONDO:0011113, OMIM 601596.

Allele frequency attached by ClinVar (database versions not stated): gnomAD 0.00454 and 0.00490; TOPMed 0.00502; 1000 Genomes Project 0.00639; 1000 Genomes Project 30x 0.00718.
gnomAD v4.1: 683 of 152,316 alleles (0.45%); highest among the groups gnomAD compares: African/African-American, 1.6%; 6 homozygotes.

Submissions (2):

Illumina Laboratory Services, Illumina
Classification: Benign for Susceptibility to mononeuropathy of the median nerve, mild. Last evaluated: 2018-01-12. Review status: criteria provided, single submitter. Criteria: ICSL Variant Classification Criteria 13 December 2019. Collection method: clinical testing. Allele origin: germline.
Comment: This variant was observed in the ICSL laboratory as part of a predisposition screen in an ostensibly healthy population. It had not been previously curated by ICSL or reported in the Human Gene Mutation Database (HGMD: prior to June 1st, 2018), and was therefore a candidate for classification through an automated scoring system. Utilizing variant allele frequency, disease prevalence and penetrance estimates, and inheritance mode, an automated score was calculated to assess if this variant is too frequent to cause the disease. Based on the score and internal cut-off values, a variant classified as benign is not then subjected to further curation. The score for this variant resulted in a classification of benign for this disease.

Illumina Laboratory Services, Illumina
Classification: Benign for Charcot-Marie-Tooth disease type 4C. Last evaluated: 2018-01-12. Review status: criteria provided, single submitter. Criteria: ICSL Variant Classification Criteria 13 December 2019. Collection method: clinical testing. Allele origin: germline.
Comment: the same text as in the submission from Illumina Laboratory Services, Illumina above.